The following is an entry in ClinVar:

NM_002439.5(MSH3):c.2041C>T (p.Pro681Ser)

Gene: MSH3 (mutS homolog 3; plus strand). Cytogenetic location: 5q14.1.
Variant type: single nucleotide variant.
Coding change: c.2041C>T on transcript NM_002439.5 (MANE Select); coding-DNA position 2041, C replaced by T.
Protein change: p.Pro681Ser; replaces proline 681 with serine.
Molecular consequence: missense variant.
Genome position (GRCh38, 1-based): chr5:80,768,077, C>T. VCF-style: chr5-80768077-C-T. GRCh37 (hg19) VCF-style: chr5-80063896-C-T.
Other names: short protein forms P681S.
Identifiers: ClinVar variation 656200 (VCV000656200.54), dbSNP rs115198722, ClinGen allele CA3328116.

ClinVar aggregate classification (germline): Conflicting classifications of pathogenicity. Review status: criteria provided, conflicting classifications (1 of 4 stars). 15 submissions from 15 submitters: Uncertain significance (8); Likely benign (6). 1 of the submissions does not count toward it. Last evaluated 2026-04-15.

Conditions:
Hereditary cancer-predisposing syndrome. Also called: Neoplastic Syndromes, Hereditary; Hereditary Cancer Syndrome; Tumor predisposition; Hereditary neoplastic syndrome. Identifiers: Orphanet 140162, MedGen C0027672, MeSH D009386, MONDO:0015356.
MSH3-related disorder. Also called: MSH3-related condition.
Familial adenomatous polyposis 4 (FAP4). Also called: MSH3-related attenuated familial adenomatous polyposis. Identifiers: Orphanet 480536, MedGen C4310719, MONDO:0044300, OMIM 617100.
Endometrial carcinoma. Also called: Endometrial carcinoma, somatic. Identifiers: MedGen C0476089, MONDO:0002447, OMIM 608089, HP:0012114.

Allele frequency attached by ClinVar (database versions not stated): 1000 Genomes Project 30x 0.00016; 1000 Genomes Project 0.00020; ExAC 0.00078; gnomAD exomes 0.00078 and 0.00185; gnomAD 0.00107 and 0.00112; TOPMed 0.00111; ESP Exome Variant Server 0.00154.
gnomAD v4.1: 2,814 of 1,613,708 alleles (0.17%); highest among the groups gnomAD compares: Non-Finnish European, 0.23%; 7 homozygotes.

Submissions (15):

Dasa
Classification: Likely benign. Last evaluated: 2026-04-15. Review status: criteria provided, single submitter. Criteria: DASA Assertion Criteria. Collection method: clinical testing. Allele origin: germline.
Comment: NM_002439.5(MSH3):c.2041C>T (p.Pro681Ser) is a missense variant that results in the substitution of proline with serine. Population frequency is inconsistent with a disease-causing role for this variant. Therefore, based on the currently available evidence, this variant is classified as likely benign.

St. Jude Molecular Pathology, St. Jude Children's Research Hospital
Classification: Uncertain significance for Familial adenomatous polyposis 4. Last evaluated: 2026-02-20. Review status: criteria provided, single submitter. Criteria: St. Jude Assertion Criteria 2020. Collection method: clinical testing. Allele origin: germline.
Comment: The MSH3 c.2041C>T p.(P ro681Ser) missense change has a maximum subpopulation frequency of 0.16% in gnomAD v2.1.1. The in silico tool REVEL is inconclusive about a pathogenic or benign effect of this variant on protein function, and to our knowledge functional studies have not been performed. This variant has been reported in individuals with colorectal cancer (PMID: 28944238, 3319365), endometrial cancer (PMID: 32634176), prostate cancer (PMID: 318 74108), and precursor B-cell acute lymphoblastic leukemia (PMID: 33332384). The variant has also been identified in 2 of 1358 control individuals collected as part of non-cancer studies (PMID: 29641532). To our knowledge, this variant has not been report ed in individuals with MSH3-related attenuated familial adenomatous polyposis. In summary, this variant meets criteria to be classified as of uncertain significance.

Labcorp Genetics (formerly Invitae), Labcorp
Classification: Likely benign. Last evaluated: 2026-02-04. Review status: criteria provided, single submitter. Criteria: Invitae Variant Classification Sherloc (09022015). Collection method: clinical testing. Allele origin: germline.

CeGaT Center for Human Genetics Tuebingen
Classification: Likely benign. Last evaluated: 2026-01-01. Review status: criteria provided, single submitter. Criteria: CeGaT Center For Human Genetics Tuebingen Variant Classification Criteria Version 2. Collection method: clinical testing. Allele origin: germline. Affected: yes. Observed: 1 variant allele.
Comment: MSH3: BS2

GeneDx
Classification: Uncertain significance. Last evaluated: 2025-04-11. Review status: criteria provided, single submitter. Criteria: GeneDx Variant Classification Process June 2021. Collection method: clinical testing. Allele origin: germline. Affected: yes.
Comment: In silico analysis indicates that this missense variant does not alter protein structure/function; Observed in individuals with colorectal, endometrial, and other cancers (PMID: 11470537, 32634176, 28944238); This variant is associated with the following publications: (PMID: 11470537, 32634176, 29641532, 20981092, 37060988, 28944238)

Center for Genomic Medicine, Rigshospitalet, Copenhagen University Hospital
Classification: Uncertain significance. Last evaluated: 2025-03-04. Review status: criteria provided, single submitter. Criteria: ACMG Guidelines, 2015. Collection method: clinical testing. Allele origin: germline.

Revvity Omics, Revvity
Classification: Uncertain significance for Familial adenomatous polyposis 4. Last evaluated: 2025-01-16. Review status: criteria provided, single submitter. Criteria: ACMG Guidelines, 2015. Collection method: clinical testing. Allele origin: germline.

Blueprint Genetics
Classification: Likely benign. Last evaluated: 2024-11-22. Review status: criteria provided, single submitter. Criteria: ACMG Guidelines, 2015. Collection method: clinical testing. Allele origin: germline.

Department of Pathology and Laboratory Medicine, Sinai Health System
Classification: Uncertain significance for Endometrial carcinoma; Familial adenomatous polyposis 4. Last evaluated: 2024-08-08. Review status: criteria provided, single submitter. Criteria: ACMG Guidelines, 2015. Collection method: clinical testing. Allele origin: germline. Affected: yes.

Quest Diagnostics Nichols Institute San Juan Capistrano
Classification: Likely benign. Last evaluated: 2022-09-16. Review status: criteria provided, single submitter. Criteria: Quest Diagnostics criteria. Collection method: clinical testing. Allele origin: unknown.

MGZ Medical Genetics Center
Classification: Uncertain significance for Familial adenomatous polyposis 4. Last evaluated: 2021-12-20. Review status: criteria provided, single submitter. Criteria: ACMG Guidelines, 2015. Collection method: clinical testing. Allele origin: germline. Affected: yes. Observed: 2 variant alleles.
Comment: ACMG criteria applied: PP3

Ambry Genetics
Classification: Likely benign for Hereditary cancer-predisposing syndrome. Last evaluated: 2021-11-09. Review status: criteria provided, single submitter. Criteria: Ambry Variant Classification Scheme 2023. Collection method: clinical testing. Allele origin: germline.

Institute for Clinical Genetics, University Hospital TU Dresden, University Hospital TU Dresden
Classification: Uncertain significance. Last evaluated: 2021-11-03. Review status: criteria provided, single submitter. Criteria: ACMG Guidelines, 2015. Collection method: clinical testing. Allele origin: germline.

Sema4
Classification: Uncertain significance for Hereditary cancer-predisposing syndrome. Last evaluated: 2021-09-01. Review status: criteria provided, single submitter. Criteria: Sema4 Curation Guidelines. Collection method: curation. Allele origin: germline.
Comment: The MSH3 c.2041C>T (p.P681S) variant has been reported in heterozygosity in at least 6 individuals with colorectal or endometrial cancer (PMID: 11470537, 28944238, 32634176); however, this variant has also been identified in unaffected controls (PMID: 20981092, 29641532). This variant was observed in 203/128932 chromosomes in the Non-Finnish European population, with no homozygotes, according to the Genome Aggregation Database (PMID: 32461654). The variant has been reported in ClinVar (Variation ID 656200). Functional studies have not been performed, and in silico tool predictions of the variant's effect on protein function are inconclusive. The overall evidence is inconsistent with ACMG/AMP requirements for a classification of benign or pathogenic. In summary, the clinical significance of this variant is currently uncertain.

PreventionGenetics, part of Exact Sciences
Classification: Likely benign for MSH3-related condition. Last evaluated: 2023-09-27. Review status: no assertion criteria provided. Collection method: clinical testing. Allele origin: germline. Not counted in ClinVar's aggregate classification.
Comment: This variant is classified as likely benign based on ACMG/AMP sequence variant interpretation guidelines (Richards et al. 2015 PMID: 25741868, with internal and published modifications).

Literature cited by the submitters: PubMed 32634176 (cited by 4 submitters); PubMed 29641532 (cited by 3 submitters); PubMed 11470537 (cited by 3 submitters); PubMed 28944238 (cited by Department of Pathology and Laboratory Medicine, Sinai Health System and Sema4); PubMed 20981092 (cited by Quest Diagnostics Nichols Institute San Juan Capistrano and Sema4).